The following is an entry in ClinVar:

ClinVar aggregate classification (germline): Uncertain significance. Review status: criteria provided, multiple submitters, no conflicts (2 of 4 stars). 2 submissions from 2 submitters: Uncertain significance (2). Last evaluated 2023-12-05.

Conditions:
Congenital prothrombin deficiency. Also called: Factor II deficiency; Inherited hypoprothrombinemia; Congenital factor II deficiency; Inherited prothrombin deficiency; HYPOPROTHROMBINEMIA; Hereditary factor II deficiency disease. Identifiers: Orphanet 325, MedGen C0272317, MONDO:0013361, OMIM 613679.
Inborn genetic diseases. Identifiers: MedGen C0950123, MeSH D030342.

Allele frequency attached by ClinVar (database versions not stated): gnomAD exomes below 0.00001; ExAC 0.00002.
gnomAD v4.1: 2 of 1,614,112 alleles (0.00012%); highest among the groups gnomAD compares: East Asian, 0.0022%; no homozygotes.

Submissions (2):

Labcorp Genetics (formerly Invitae), Labcorp
Classification: Uncertain significance for Congenital prothrombin deficiency. Last evaluated: 2023-12-05. Review status: criteria provided, single submitter. Criteria: Invitae Variant Classification Sherloc (09022015). Collection method: clinical testing. Allele origin: germline.
Comment: This sequence change replaces aspartic acid, which is acidic and polar, with histidine, which is basic and polar, at codon 173 of the F2 protein (p.Asp173His). This variant is present in population databases (rs774792190, gnomAD 0.03%). This variant has not been reported in the literature in individuals affected with F2-related conditions. Advanced modeling of protein sequence and biophysical properties (such as structural, functional, and spatial information, amino acid conservation, physicochemical variation, residue mobility, and thermodynamic stability) has been performed at Invitae for this missense variant, however the output from this modeling did not meet the statistical confidence thresholds required to predict the impact of this variant on F2 protein function. In summary, the available evidence is currently insufficient to determine the role of this variant in disease. Therefore, it has been classified as a Variant of Uncertain Significance.

Ambry Genetics
Classification: Uncertain significance for Inborn genetic diseases. Last evaluated: 2023-07-14. Review status: criteria provided, single submitter. Criteria: Ambry Variant Classification Scheme 2023. Collection method: clinical testing. Allele origin: germline.

NM_000506.5(F2):c.517G>C (p.Asp173His)

Gene: F2 (coagulation factor II, thrombin; plus strand). Cytogenetic location: 11p11.2.
Variant type: single nucleotide variant.
Coding change: c.517G>C on transcript NM_000506.5 (MANE Select); coding-DNA position 517, G replaced by C.
Protein change: p.Asp173His; replaces aspartic acid 173 with histidine.
Molecular consequence: missense variant.
Genome position (GRCh38, 1-based): chr11:46,723,476, G>C. VCF-style: chr11-46723476-G-C. GRCh37 (hg19) VCF-style: chr11-46745026-G-C.
Other names: short protein forms D173H.
Identifiers: ClinVar variation 2593528 (VCV002593528.3), dbSNP rs774792190, ClinGen allele CA5966967.
Genomic context (GRCh38, chr11:46,723,476, plus strand): 5'-CAGGAGAATTTCTGCCGCAACCCCGACAGCAGCACCACGGGACCCTGGTGCTACACTACA[G>C]ACCCCACCGTGAGGAGGCAGGAATGCAGCATCCCTGTCTGTGGTAAGCTGGGGGCAGTGG-3'
Protein context (NP_000497.1, residues 163-183): STTGPWCYTT[Asp173His]PTVRRQECSI